The following is an entry in ClinVar:

NM_015102.5(NPHP4):c.665G>C (p.Gly222Ala)

Gene: NPHP4 (nephrocystin 4; minus strand). Cytogenetic location: 1p36.31.
Variant type: single nucleotide variant.
Coding change: c.665G>C on transcript NM_015102.5 (MANE Select); coding-DNA position 665, G replaced by C.
Protein change: p.Gly222Ala; replaces glycine 222 with alanine.
Molecular consequence: missense variant. On other transcripts: 5 prime UTR variant (2), non-coding transcript variant (1).
Genome position (GRCh38, 1-based): chr1:5,961,802, C>G on the plus strand (G>C on the coding strand, the complement: NPHP4 is on the minus strand). VCF-style: chr1-5961802-C-G. GRCh37 (hg19) VCF-style: chr1-6021862-C-G.
Other names: c.-565G>C (NM_001291593.2); c.-702G>C (NM_001291594.2); short protein forms G222A.
Identifiers: ClinVar variation 1375312 (VCV001375312.6), dbSNP rs2102140145, ClinGen allele CA338069550.
Genomic context (GRCh38, chr1:5,961,802, plus strand): 5'-GAACTAGGACAGACTCACCTCACCAAGTGGAGAGAATCAAAGACGCCCTTACCGGATTCT[C>G]CATGAGCTGGAAGCAGGCCAGGTATCTGCTGCAGACCAGACACCAGAAGGTTCTCAGGAA-3'
Protein context (NP_055917.1, residues 212-232): QQIPGLLPAH[Gly222Ala]ESGDALRKPR

ClinVar aggregate classification (germline): Uncertain significance (1 of 4 stars; one submission).

Conditions:
Nephronophthisis. Also called: Juvenile Nephronophthisis. Identifiers: Orphanet 655, MedGen C0687120, MONDO:0019005, HP:0000090.

Submission:

Labcorp Genetics (formerly Invitae), Labcorp
Classification: Uncertain significance for Nephronophthisis. Last evaluated: 2022-06-20. Review status: criteria provided, single submitter. Criteria: Invitae Variant Classification Sherloc (09022015). Collection method: clinical testing. Allele origin: germline.
Comment: In summary, the available evidence is currently insufficient to determine the role of this variant in disease. Therefore, it has been classified as a Variant of Uncertain Significance. Algorithms developed to predict the effect of missense changes on protein structure and function (SIFT, PolyPhen-2, Align-GVGD) all suggest that this variant is likely to be tolerated. This variant has not been reported in the literature in individuals affected with NPHP4-related conditions. This variant is not present in population databases (gnomAD no frequency). This sequence change replaces glycine, which is neutral and non-polar, with alanine, which is neutral and non-polar, at codon 222 of the NPHP4 protein (p.Gly222Ala).